The following is an entry in ClinVar:

ClinVar aggregate classification (germline): Uncertain significance (1 of 4 stars; one submission).

Allele frequency attached by ClinVar (database versions not stated): TOPMed below 0.00001; gnomAD 0.00001.
gnomAD v4.1: 1 of 1,614,074 alleles (0.000062%); highest among the groups gnomAD compares: African/African-American, 0.0013%; no homozygotes.

Submission:

Labcorp Genetics (formerly Invitae), Labcorp
Classification: Uncertain significance. Last evaluated: 2023-05-01. Review status: criteria provided, single submitter. Criteria: Invitae Variant Classification Sherloc (09022015). Collection method: clinical testing. Allele origin: germline.
Comment: In summary, the available evidence is currently insufficient to determine the role of this variant in disease. Therefore, it has been classified as a Variant of Uncertain Significance. Advanced modeling of protein sequence and biophysical properties (such as structural, functional, and spatial information, amino acid conservation, physicochemical variation, residue mobility, and thermodynamic stability) has been performed at Invitae for this missense variant, however the output from this modeling did not meet the statistical confidence thresholds required to predict the impact of this variant on LEMD3 protein function. This variant has not been reported in the literature in individuals affected with LEMD3-related conditions. This variant is not present in population databases (gnomAD no frequency). This sequence change replaces glutamic acid, which is acidic and polar, with valine, which is neutral and non-polar, at codon 461 of the LEMD3 protein (p.Glu461Val).

NM_014319.5(LEMD3):c.1382A>T (p.Glu461Val)

Gene: LEMD3 (LEM domain containing 3; plus strand). Cytogenetic location: 12q14.3.
Variant type: single nucleotide variant.
Coding change: c.1382A>T on transcript NM_014319.5 (MANE Select); coding-DNA position 1382, A replaced by T.
Protein change: p.Glu461Val; replaces glutamic acid 461 with valine.
Molecular consequence: missense variant.
Genome position (GRCh38, 1-based): chr12:65,170,978, A>T. VCF-style: chr12-65170978-A-T. GRCh37 (hg19) VCF-style: chr12-65564758-A-T.
Other names: c.1382A>T, p.Glu461Val (NM_001167614.2); short protein forms E461V.
Identifiers: ClinVar variation 2708503 (VCV002708503.3), dbSNP rs901104339, ClinGen allele CA385676232.